The following is an entry in ClinVar:

ClinVar aggregate classification (germline): Pathogenic (1 of 4 stars; one submission).

Submission:

Labcorp Genetics (formerly Invitae), Labcorp
Classification: Pathogenic. Last evaluated: 2023-11-24. Review status: criteria provided, single submitter. Criteria: Invitae Variant Classification Sherloc (09022015). Collection method: clinical testing. Allele origin: germline.
Comment: This sequence change creates a premature translational stop signal (p.Phe164Serfs*12) in the SMARCB1 gene. It is expected to result in an absent or disrupted protein product. Loss-of-function variants in SMARCB1 are known to be pathogenic (PMID: 10521299, 21208904). This variant is not present in population databases (gnomAD no frequency). This variant has not been reported in the literature in individuals affected with SMARCB1-related conditions. For these reasons, this variant has been classified as Pathogenic.

Literature cited by the submitters: PubMed 10521299; PubMed 21208904.

NM_003073.5(SMARCB1):c.489del (p.Phe164fs)

Gene: SMARCB1 (SWI/SNF related BAF chromatin remodeling complex subunit B1; plus strand). Cytogenetic location: 22q11.23.
Variant type: Deletion.
Coding change: c.489del on transcript NM_003073.5 (MANE Select); coding-DNA position 489, one base deleted (C; older notation c.489delC).
Protein change: p.Phe164fs; shifts the reading frame from phenylalanine 164.
Molecular consequence: frameshift variant.
Genome position (GRCh38, 1-based): chr22:23,801,070, C deleted; the last of 2 consecutive C bases (chr22:23,801,069-23,801,070); deleting either gives the same sequence. VCF-style (leftmost placement, unchanged base first): chr22-23801068-AC-A. GRCh37 (hg19) VCF-style: chr22-24143255-AC-A.
Other names: c.462del, p.Phe155fs (NM_001007468.3, NM_001317946.2); c.489del, p.Phe164fs (NM_001362877.2); short protein forms F155fs, F164fs.
Identifiers: ClinVar variation 2838229 (VCV002838229.3), dbSNP rs2517679862, ClinGen allele CA2739267833.